The following is an entry in ClinVar:

NM_003906.5(MCM3AP):c.3174C>G (p.Phe1058Leu)

Gene: MCM3AP (minichromosome maintenance complex component 3 associated protein; minus strand). Cytogenetic location: 21q22.3.
Variant type: single nucleotide variant.
Coding change: c.3174C>G on transcript NM_003906.5 (MANE Select); coding-DNA position 3174, C replaced by G.
Protein change: p.Phe1058Leu; replaces phenylalanine 1058 with leucine.
Molecular consequence: missense variant.
Genome position (GRCh38, 1-based): chr21:46,265,381, G>C on the plus strand (C>G on the coding strand, the complement: MCM3AP is on the minus strand). VCF-style: chr21-46265381-G-C. GRCh37 (hg19) VCF-style: chr21-47685295-G-C.
Other names: short protein forms F1058L.
Identifiers: ClinVar variation 2600210 (VCV002600210.5), dbSNP rs747766019, ClinGen allele CA10076603.

ClinVar aggregate classification (germline): Uncertain significance. Review status: criteria provided, multiple submitters, no conflicts (2 of 4 stars). 2 submissions from 2 submitters: Uncertain significance (2). Last evaluated 2023-06-22.

Conditions:
Inborn genetic diseases. Identifiers: MedGen C0950123, MeSH D030342.

Allele frequency attached by ClinVar (database versions not stated): ExAC 0.00001.

Submissions (2):

Ambry Genetics
Classification: Uncertain significance for Inborn genetic diseases. Last evaluated: 2023-06-22. Review status: criteria provided, single submitter. Criteria: Ambry Variant Classification Scheme 2023. Collection method: clinical testing. Allele origin: germline.

Labcorp Genetics (formerly Invitae), Labcorp
Classification: Uncertain significance. Last evaluated: 2023-06-03. Review status: criteria provided, single submitter. Criteria: Invitae Variant Classification Sherloc (09022015). Collection method: clinical testing. Allele origin: germline.
Comment: This sequence change replaces phenylalanine, which is neutral and non-polar, with leucine, which is neutral and non-polar, at codon 1058 of the MCM3AP protein (p.Phe1058Leu). This variant is present in population databases (rs747766019, gnomAD 0.006%). This variant has not been reported in the literature in individuals affected with MCM3AP-related conditions. Algorithms developed to predict the effect of missense changes on protein structure and function output the following: SIFT: "Not Available"; PolyPhen-2: "Benign"; Align-GVGD: "Not Available". The leucine amino acid residue is found in multiple mammalian species, which suggests that this missense change does not adversely affect protein function. In summary, the available evidence is currently insufficient to determine the role of this variant in disease. Therefore, it has been classified as a Variant of Uncertain Significance.